The following is an entry in ClinVar:

NM_000163.5(GHR):c.221A>G (p.His74Arg)

Gene: GHR (growth hormone receptor; plus strand). Cytogenetic location: 5p12.
Variant type: single nucleotide variant.
Coding change: c.221A>G on transcript NM_000163.5 (MANE Select); coding-DNA position 221, A replaced by G.
Protein change: p.His74Arg; replaces histidine 74 with arginine.
Molecular consequence: missense variant.
Genome position (GRCh38, 1-based): chr5:42,688,974, A>G. VCF-style: chr5-42688974-A-G. GRCh37 (hg19) VCF-style: chr5-42689076-A-G.
Other names: c.242A>G, p.His81Arg (NM_001242399.2); c.221A>G, p.His74Arg (NM_001242400.2, NM_001242401.4, NM_001242402.2 and 5 more transcripts); c.155A>G, p.His52Arg (NM_001242460.2); short protein forms H52R, H81R, H74R.
Identifiers: ClinVar variation 3720621 (VCV003720621.2).

ClinVar aggregate classification (germline): Uncertain significance (1 of 4 stars; one submission).

gnomAD v4.1: 3 of 1,612,844 alleles (0.00019%); highest among the groups gnomAD compares: South Asian, 0.0011%; no homozygotes.

Submission:

Labcorp Genetics (formerly Invitae), Labcorp
Classification: Uncertain significance. Last evaluated: 2024-03-02. Review status: criteria provided, single submitter. Criteria: Invitae Variant Classification Sherloc (09022015). Collection method: clinical testing. Allele origin: germline.
Comment: This sequence change replaces histidine, which is basic and polar, with arginine, which is basic and polar, at codon 74 of the GHR protein (p.His74Arg). This variant is not present in population databases (gnomAD no frequency). This missense change has been observed in individual(s) with short stature (PMID: 17274879). Advanced modeling of protein sequence and biophysical properties (such as structural, functional, and spatial information, amino acid conservation, physicochemical variation, residue mobility, and thermodynamic stability) performed at Invitae indicates that this missense variant is not expected to disrupt GHR protein function with a negative predictive value of 80%. In summary, the available evidence is currently insufficient to determine the role of this variant in disease. Therefore, it has been classified as a Variant of Uncertain Significance.

Literature cited by the submitters: PubMed 17274879.